The following is an entry in ClinVar:

NM_002633.3(PGM1):c.420A>G (p.Pro140=)

Gene: PGM1 (phosphoglucomutase 1; plus strand). Cytogenetic location: 1p31.3.
Variant type: single nucleotide variant.
Coding change: c.420A>G on transcript NM_002633.3 (MANE Select); coding-DNA position 420, A replaced by G.
Protein change: p.Pro140=; no amino-acid change (proline 140 retained).
Molecular consequence: synonymous variant. On other transcripts: 5 prime UTR variant (1).
Genome position (GRCh38, 1-based): chr1:63,629,952, A>G. VCF-style: chr1-63629952-A-G. GRCh37 (hg19) VCF-style: chr1-64095623-A-G.
Other names: c.474A>G, p.Pro158= (NM_001172818.1); c.-172A>G (NM_001172819.2).
Identifiers: ClinVar variation 297873 (VCV000297873.22), dbSNP rs141007881, ClinGen allele CA889543.

ClinVar aggregate classification (germline): Likely benign. Review status: criteria provided, multiple submitters, no conflicts (2 of 4 stars). 3 submissions from 3 submitters: Likely benign (3). Last evaluated 2025-11-23.

Conditions:
PGM1-congenital disorder of glycosylation. Also called: Congenital disorder of glycosylation type 1t; PHOSPHOGLUCOMUTASE 1 DEFICIENCY; PGM1 DEFICIENCY; GLYCOGEN STORAGE DISEASE XIV; GSD XIV; CDG It. Identifiers: Orphanet 319646, MedGen C2752015, MONDO:0013968, OMIM 614921.

Allele frequency attached by ClinVar (database versions not stated): TOPMed 0.00018; gnomAD 0.00021; gnomAD exomes 0.00029 and 0.00031; ExAC 0.00031; ESP Exome Variant Server 0.00038.
gnomAD v4.1: 490 of 1,613,994 alleles (0.03%); highest among the groups gnomAD compares: Non-Finnish European, 0.037%; no homozygotes.

Submissions (3):

Labcorp Genetics (formerly Invitae), Labcorp
Classification: Likely benign for PGM1-congenital disorder of glycosylation. Last evaluated: 2025-11-23. Review status: criteria provided, single submitter. Criteria: Invitae Variant Classification Sherloc (09022015). Collection method: clinical testing. Allele origin: germline.

CeGaT Center for Human Genetics Tuebingen
Classification: Likely benign. Last evaluated: 2025-10-01. Review status: criteria provided, single submitter. Criteria: CeGaT Center For Human Genetics Tuebingen Variant Classification Criteria Version 2. Collection method: clinical testing. Allele origin: germline. Affected: yes. Observed: 1 variant allele.
Comment: PGM1: BP4, BP7

GeneDx
Classification: Likely benign. Last evaluated: 2016-07-14. Review status: criteria provided, single submitter. Criteria: GeneDx Variant Classification (06012015). Collection method: clinical testing. Allele origin: germline. Affected: yes.
Comment: This variant is considered likely benign or benign based on one or more of the following criteria: it is a conservative change, it occurs at a poorly conserved position in the protein, it is predicted to be benign by multiple in silico algorithms, and/or has population frequency not consistent with disease.